The following is an entry in ClinVar:

NC_000017.10:g.(?_59926480)_(59926627_?)del

Gene: BRIP1 (BRCA1 interacting DNA helicase 1; minus strand). Cytogenetic location: 17q23.2.
Variant type: Deletion.
Identifiers: ClinVar variation 2427002 (VCV002427002.2).

ClinVar aggregate classification (germline): Pathogenic (1 of 4 stars; one submission).

Conditions:
Familial cancer of breast. Also called: BREAST CANCER, FAMILIAL; hereditary breast carcinoma; Hereditary breast cancer. Identifiers: Orphanet 227535, MedGen C0346153, MONDO:0016419, OMIM 114480. Disease mechanism: loss of function.
Fanconi anemia complementation group J. Also called: BRIP1-Related Fanconi Anemia. Identifiers: Orphanet 84, MedGen C1836860, MONDO:0012187, OMIM 609054.

Submission:

Labcorp Genetics (formerly Invitae), Labcorp
Classification: Pathogenic for Familial cancer of breast; Fanconi anemia complementation group J. Last evaluated: 2022-07-19. Review status: criteria provided, single submitter. Criteria: Invitae Variant Classification Sherloc (09022015). Collection method: clinical testing. Allele origin: germline.
Comment: This variant is a gross deletion of the genomic region encompassing exon(s) 5 of the BRIP1 gene. This deletion is out-of-frame, and is expected to create a premature termination codon and result in an absent or disrupted protein product. Loss-of-function variants in BRIP1 are known to be pathogenic (PMID: 16116423, 17033622, 21964575). This variant has not been reported in the literature in individuals affected with BRIP1-related conditions. For these reasons, this variant has been classified as Pathogenic.

Literature cited by the submitters: PubMed 16116423; PubMed 17033622; PubMed 21964575.